The following is an entry in ClinVar:

ClinVar aggregate classification (germline): Benign/Likely benign. Review status: criteria provided, multiple submitters, no conflicts (2 of 4 stars). 6 submissions from 6 submitters: Benign (3); Likely benign (3). Last evaluated 2026-06-01.

Conditions:
Cornelia de Lange syndrome 1 (CDLS1). Also called: TYPUS DEGENERATIVUS AMSTELODAMENSIS; NIPBL-Related Cornelia de Lange Syndrome; Brachmann de Lange syndrome. Identifiers: Orphanet 199, MedGen C4551851, MONDO:0007387, OMIM 122470.

Allele frequency attached by ClinVar (database versions not stated): TOPMed 0.00007; gnomAD 0.00009 and 0.00019; gnomAD exomes 0.00009 and 0.00038; ExAC 0.00013; 1000 Genomes Project 30x 0.00062; 1000 Genomes Project 0.00080.
gnomAD v4.1: 570 of 1,614,030 alleles (0.035%); highest among the groups gnomAD compares: East Asian, 1.1%; 9 homozygotes.

Submissions (6):

CeGaT Center for Human Genetics Tuebingen
Classification: Likely benign. Last evaluated: 2026-06-01. Review status: criteria provided, single submitter. Criteria: CeGaT Center For Human Genetics Tuebingen Variant Classification Criteria Version 2. Collection method: clinical testing. Allele origin: germline. Affected: yes. Observed: 1 variant allele.
Comment: NIPBL: BP4, BS1

Labcorp Genetics (formerly Invitae), Labcorp
Classification: Likely benign for Cornelia de Lange syndrome 1. Last evaluated: 2024-09-06. Review status: criteria provided, single submitter. Criteria: Invitae Variant Classification Sherloc (09022015). Collection method: clinical testing. Allele origin: germline.

Genome-Nilou Lab
Classification: Benign for Cornelia de Lange syndrome 1. Last evaluated: 2021-07-15. Review status: criteria provided, single submitter. Criteria: ACMG Guidelines, 2015. Collection method: clinical testing. Allele origin: germline. Affected: no.

Illumina Laboratory Services, Illumina
Classification: Likely benign for Cornelia de Lange syndrome 1. Last evaluated: 2018-01-13. Review status: criteria provided, single submitter. Criteria: ICSL Variant Classification Criteria 13 December 2019. Collection method: clinical testing. Allele origin: germline.
Comment: This variant was observed in the ICSL laboratory as part of a predisposition screen in an ostensibly healthy population. It had not been previously curated by ICSL or reported in the Human Gene Mutation Database (HGMD: prior to June 1st, 2018), and was therefore a candidate for classification through an automated scoring system. Utilizing variant allele frequency, disease prevalence and penetrance estimates, and inheritance mode, an automated score was calculated to assess if this variant is too frequent to cause the disease. Based on the score and internal cut-off values, a variant classified as likely benign is not then subjected to further curation. The score for this variant resulted in a classification of likely benign for this disease.

Eurofins Ntd Llc (ga)
Classification: Benign. Last evaluated: 2016-02-23. Review status: criteria provided, single submitter. Criteria: EGL Classification Definitions 2015. Collection method: clinical testing. Allele origin: germline. Observed: 1 variant allele, 1 heterozygote.

Genetic Services Laboratory, University of Chicago
Classification: Benign. Last evaluated: 2013-02-08. Review status: criteria provided, single submitter. Criteria: ACMG Guidelines, 2007. Collection method: clinical testing. Allele origin: germline. Inheritance: Autosomal dominant inheritance.

NM_133433.4(NIPBL):c.1151A>G (p.Asn384Ser)

Gene: NIPBL (NIPBL cohesin loading factor; plus strand). Cytogenetic location: 5p13.2.
Variant type: single nucleotide variant.
Coding change: c.1151A>G on transcript NM_133433.4 (MANE Select); coding-DNA position 1151, A replaced by G.
Protein change: p.Asn384Ser; replaces asparagine 384 with serine.
Molecular consequence: missense variant.
Genome position (GRCh38, 1-based): chr5:36,976,058, A>G. VCF-style: chr5-36976058-A-G. GRCh37 (hg19) VCF-style: chr5-36976160-A-G.
Other names: c.1151A>G, p.Asn384Ser (NM_015384.5); short protein forms N384S.
Identifiers: ClinVar variation 159030 (VCV000159030.24), dbSNP rs2291703, ClinGen allele CA172648.